The following is an entry in ClinVar:

ClinVar aggregate classification (germline): Pathogenic. Review status: criteria provided, single submitter (1 of 4 stars). 2 submissions from 2 submitters: Pathogenic (1). 1 of the submissions does not count toward it. Last evaluated 2025-12-17.

Conditions:
Epidermolytic ichthyosis. Also called: Bullous ichthyosiform erythroderma; KRT10-Related Epidermolytic Hyperkeratosis; Epidermolytic Hyperkeratosis; Congenital bullous ichthyosiform erythroderma. Identifiers: Orphanet 312, MedGen C0079153, MONDO:0007239, HP:0007475.

Submissions (2):

GeneDx
Classification: Pathogenic. Last evaluated: 2025-12-17. Review status: criteria provided, single submitter. Criteria: GeneDx Variant Classification Process June 2021. Collection method: clinical testing. Allele origin: germline.
Comment: Frameshift variant predicted to result in replacement of the last 58 amino acids within the glycine-serine-rich motifs of the keratin 1 tail with 66 different amino acids; frameshift variants leading to an arginine-rich or alanine-rich keratin 1 tail region result in profound structural abnormalities of the intermediate filament skeleton and have been reported in patients with ichthyosis with confetti and ichthyosis hystrix Curth-Macklin/palmoplantar keratoderma (PMID: 11286616, 16417221, 25774499, 32049370, 24077912); Not observed at significant frequency in large population cohorts (gnomAD); This variant is associated with the following publications: (PMID: 11286616, 16417221, 25774499, 32049370, 24077912, 34851365, 12648226, 34273205)

OMIM
Classification: Pathogenic for EPIDERMOLYTIC HYPERKERATOSIS 1, LATE-ONSET. Last evaluated: 2003-04-01. Review status: no assertion criteria provided. Collection method: literature only. Allele origin: germline. Not counted in ClinVar's aggregate classification.

Literature cited by the submitters: PubMed 12648226 (cited by OMIM).

NM_006121.4(KRT1):c.1757dup (p.Tyr587fs)

Gene: KRT1 (keratin 1; minus strand). Cytogenetic location: 12q13.13.
Variant type: Duplication.
Coding change: c.1757dup on transcript NM_006121.4 (MANE Select); coding-DNA position 1757, one base duplicated (G; older notation c.1757dupG).
Protein change: p.Tyr587fs; shifts the reading frame from tyrosine 587.
Molecular consequence: frameshift variant.
Genome position (GRCh38, 1-based): chr12:52,675,371, C duplicated on the plus strand (G on the coding strand, the reverse complement: KRT1 is on the minus strand); the first of 5 consecutive C bases (chr12:52,675,371-52,675,375); duplicating any one gives the same sequence. VCF-style (leftmost placement, unchanged base first): chr12-52675370-G-GC. GRCh37 (hg19) VCF-style: chr12-53069154-G-GC.
Other names: c.1757dup (NM_006121.3); short protein forms Y587fs.
Identifiers: ClinVar variation 15921 (VCV000015921.5), dbSNP rs2498629912, ClinGen allele CA2580086463.